The following is an entry in ClinVar:

ClinVar aggregate classification (germline): Likely benign (1 of 4 stars; one submission).

Conditions:
PTPRO-related disorder. Also called: PTPRO-related condition.

gnomAD v4.1: 35 of 1,613,804 alleles (0.0022%); highest among the groups gnomAD compares: African/African-American, 0.027%; no homozygotes.

Submission:

PreventionGenetics, part of Exact Sciences
Classification: Likely benign for PTPRO-related condition. Last evaluated: 2025-10-16. Review status: criteria provided, single submitter. Criteria: ACMG Guidelines, 2015. Collection method: clinical testing. Allele origin: germline.
Comment: This variant is classified as likely benign based on ACMG/AMP sequence variant interpretation guidelines (Richards et al. 2015 PMID: 25741868, with internal and published modifications).

NM_030667.3(PTPRO):c.3417C>T (p.Gly1139=)

Gene: PTPRO (protein tyrosine phosphatase receptor type O; plus strand). Cytogenetic location: 12p12.3.
Variant type: single nucleotide variant.
Coding change: c.3417C>T on transcript NM_030667.3 (MANE Select); coding-DNA position 3417, C replaced by T.
Protein change: p.Gly1139=; no amino-acid change (glycine 1139 retained).
Molecular consequence: synonymous variant.
Genome position (GRCh38, 1-based): chr12:15,589,461, C>T. VCF-style: chr12-15589461-C-T. GRCh37 (hg19) VCF-style: chr12-15742395-C-T.
Other names: c.3333C>T, p.Gly1111= (NM_002848.4); c.900C>T, p.Gly300= (NM_030668.3, NM_030670.3); c.984C>T, p.Gly328= (NM_030669.3, NM_030671.3).
Identifiers: ClinVar variation 4980006 (VCV004980006.1).